The following is an entry in ClinVar:

NM_000051.4(ATM):c.178G>C (p.Val60Leu)

Gene: ATM (ATM serine/threonine kinase; plus strand). Cytogenetic location: 11q22.3.
Variant type: single nucleotide variant.
Coding change: c.178G>C on transcript NM_000051.4 (MANE Select); coding-DNA position 178, G replaced by C.
Protein change: p.Val60Leu; replaces valine 60 with leucine.
Molecular consequence: missense variant.
Genome position (GRCh38, 1-based): chr11:108,227,881, G>C. VCF-style: chr11-108227881-G-C. GRCh37 (hg19) VCF-style: chr11-108098608-G-C.
Other names: c.178G>C, p.Val60Leu (NM_001351834.2, NM_001351835.2, NM_001351836.2); short protein forms V60L.
Identifiers: ClinVar variation 579961 (VCV000579961.13), dbSNP rs1166668199, ClinGen allele CA382520634.
Genomic context (GRCh38, chr11:108,227,881, plus strand): 5'-ATTAAACATCTAGATCGGCATTCAGATTCCAAACAAGGAAAATATTTGAATTGGGATGCT[G>C]TTTTTAGGTATTCTATTCAAATTTATTTTACTGTCTTTATTTTTCTCTTTCATATTTATT-3'
Protein context (NP_000042.3, residues 50-70): KQGKYLNWDA[Val60Leu]FRFLQKYIQK

ClinVar aggregate classification (germline): Uncertain significance. Review status: criteria provided, multiple submitters, no conflicts (2 of 4 stars). 2 submissions from 2 submitters: Uncertain significance (2). Last evaluated 2024-11-13.

Conditions:
Hereditary cancer-predisposing syndrome. Also called: Hereditary neoplastic syndrome; Tumor predisposition; Hereditary Cancer Syndrome; Neoplastic Syndromes, Hereditary. Identifiers: Orphanet 140162, MedGen C0027672, MeSH D009386, MONDO:0015356.
Ataxia-telangiectasia syndrome (AT). Also called: Cerebello-oculocutaneous telangiectasia; Immunodeficiency with ataxia telangiectasia; Ataxia telangiectasia (A-T); Ataxia-telangiectasia, complementation group E; LOUIS-BAR SYNDROME; Ataxia-telangiectasia. Identifiers: Orphanet 100, MedGen C0004135, MONDO:0008840, OMIM 208900.

Submissions (2):

Labcorp Genetics (formerly Invitae), Labcorp
Classification: Uncertain significance for Ataxia-telangiectasia syndrome. Last evaluated: 2024-11-13. Review status: criteria provided, single submitter. Criteria: Invitae Variant Classification Sherloc (09022015). Collection method: clinical testing. Allele origin: germline.
Comment: This sequence change replaces valine, which is neutral and non-polar, with leucine, which is neutral and non-polar, at codon 60 of the ATM protein (p.Val60Leu). This variant is not present in population databases (gnomAD no frequency). This variant has not been reported in the literature in individuals affected with ATM-related conditions. ClinVar contains an entry for this variant (Variation ID: 579961). Invitae Evidence Modeling of protein sequence and biophysical properties (such as structural, functional, and spatial information, amino acid conservation, physicochemical variation, residue mobility, and thermodynamic stability) indicates that this missense variant is not expected to disrupt ATM protein function with a negative predictive value of 95%. In summary, the available evidence is currently insufficient to determine the role of this variant in disease. Therefore, it has been classified as a Variant of Uncertain Significance.

Ambry Genetics
Classification: Uncertain significance for Hereditary cancer-predisposing syndrome. Last evaluated: 2019-01-10. Review status: criteria provided, single submitter. Criteria: Ambry Variant Classification Scheme 2023. Collection method: clinical testing. Allele origin: germline.
Comment: The p.V60L variant (also known as c.178G>C), located in coding exon 2 of the ATM gene, results from a G to C substitution at nucleotide position 178. The valine at codon 60 is replaced by leucine, an amino acid with highly similar properties. This amino acid position is highly conserved in available vertebrate species. In addition, this alteration is predicted to be tolerated by in silico analysis. Since supporting evidence is limited at this time, the clinical significance of this alteration remains unclear.